The following is an entry in ClinVar:

NM_004618.5(TOP3A):c.2808C>T (p.Val936=)

Gene: TOP3A (DNA topoisomerase III alpha; minus strand). Cytogenetic location: 17p11.2.
Variant type: single nucleotide variant.
Coding change: c.2808C>T on transcript NM_004618.5 (MANE Select); coding-DNA position 2808, C replaced by T.
Protein change: p.Val936=; no amino-acid change (valine 936 retained).
Molecular consequence: synonymous variant.
Genome position (GRCh38, 1-based): chr17:18,277,694, G>A on the plus strand (C>T on the coding strand, the complement: TOP3A is on the minus strand). VCF-style: chr17-18277694-G-A. GRCh37 (hg19) VCF-style: chr17-18181008-G-A.
Other names: c.2523C>T, p.Val841= (NM_001320759.2).
Identifiers: ClinVar variation 1558861 (VCV001558861.32), dbSNP rs147225465, ClinGen allele CA8429515.

ClinVar aggregate classification (germline): Likely benign. Review status: criteria provided, multiple submitters, no conflicts (2 of 4 stars). 3 submissions from 3 submitters: Likely benign (3). Last evaluated 2025-02-16.

Allele frequency attached by ClinVar (database versions not stated): TOPMed 0.00003; ExAC 0.00004; gnomAD 0.00004; gnomAD exomes 0.00004; ESP Exome Variant Server 0.00031.
gnomAD v4.1: 43 of 1,609,794 alleles (0.0027%); highest among the groups gnomAD compares: African/African-American, 0.004%; no homozygotes.

Submissions (3):

Laboratory of Genetics, Children's Clinical University Hospital Latvia
Classification: Likely benign. Last evaluated: 2025-02-16. Review status: criteria provided, single submitter. Criteria: ACMG Guidelines, 2015. Collection method: clinical testing. Allele origin: germline. Affected: yes.

Labcorp Genetics (formerly Invitae), Labcorp
Classification: Likely benign. Last evaluated: 2025-01-06. Review status: criteria provided, single submitter. Criteria: Invitae Variant Classification Sherloc (09022015). Collection method: clinical testing. Allele origin: germline.

CeGaT Center for Human Genetics Tuebingen
Classification: Likely benign. Last evaluated: 2022-07-01. Review status: criteria provided, single submitter. Criteria: CeGaT Center For Human Genetics Tuebingen Variant Classification Criteria Version 2. Collection method: clinical testing. Allele origin: germline. Affected: yes. Observed: 1 variant allele.
Comment: TOP3A: BP4, BP7